The following is an entry in ClinVar:

NM_052947.4(ALPK2):c.4214C>G (p.Pro1405Arg)

Genes: ALPK2 (alpha kinase 2; minus strand), LOC126862764 (BRD4-independent group 4 enhancer GRCh37_chr18:56202574-56203773; plus strand). Cytogenetic location: 18q21.31.
Variant type: single nucleotide variant.
Coding change: c.4214C>G on transcript NM_052947.4 (MANE Select); coding-DNA position 4214, C replaced by G.
Protein change: p.Pro1405Arg; replaces proline 1405 with arginine.
Molecular consequence: missense variant.
Genome position (GRCh38, 1-based): chr18:58,535,973, G>C on the plus strand (C>G on the coding strand, the complement: ALPK2 is on the minus strand). VCF-style: chr18-58535973-G-C. GRCh37 (hg19) VCF-style: chr18-56203205-G-C.
Other names: short protein forms P1405R.
Identifiers: ClinVar variation 3289927 (VCV003289927.1).
Genomic context (GRCh38, chr18:58,535,973, plus strand): 5'-GTTTCAGAGGGCTCTGGTTTTCCAGCCCTGGTGTACTCTATCACACTTATCTCATCAATG[G>C]GATCTACAGAGGACTCTAGGATTTTAGGGCAGGTCAGAAACTTTTTAAAGAAGGCAGTGT-3'
Protein context (NP_443179.3, residues 1395-1415): CPKILESSVD[Pro1405Arg]IDEISVIEYT

ClinVar aggregate classification (germline): Uncertain significance (1 of 4 stars; one submission).

Submission:

Ambry Genetics
Classification: Uncertain significance. Last evaluated: 2024-04-01. Review status: criteria provided, single submitter. Criteria: Ambry Variant Classification Scheme 2023. Collection method: clinical testing. Allele origin: germline.
Comment: The p.P1405R variant (also known as c.4214C>G), located in coding exon 4 of the ALPK2 gene, results from a C to G substitution at nucleotide position 4214. The proline at codon 1405 is replaced by arginine, an amino acid with dissimilar properties. This amino acid position is conserved. In addition, this alteration is predicted to be tolerated by in silico analysis. Based on the available evidence, the clinical significance of this alteration remains unclear.